The following is an entry in ClinVar:

NM_001035.3(RYR2):c.10717T>G (p.Tyr3573Asp)

Gene: RYR2 (ryanodine receptor 2; plus strand). Cytogenetic location: 1q43.
Variant type: single nucleotide variant.
Coding change: c.10717T>G on transcript NM_001035.3 (MANE Select); coding-DNA position 10717, T replaced by G.
Protein change: p.Tyr3573Asp; replaces tyrosine 3573 with aspartic acid.
Molecular consequence: missense variant.
Genome position (GRCh38, 1-based): chr1:237,726,300, T>G. VCF-style: chr1-237726300-T-G. GRCh37 (hg19) VCF-style: chr1-237889600-T-G.
Other names: short protein forms Y3573D.
Identifiers: ClinVar variation 3073060 (VCV003073060.1), dbSNP rs2526984980, ClinGen allele CA345416749.
Genomic context (GRCh38, chr1:237,726,300, plus strand): 5'-TTTTAGCTAACATAACATTTTTATTTCTTTCAGAAGTCTAAACGTGTGGGTCGGAGACAT[T>G]ACTGTCTGGGAAGTACAGTGCTCAATGGCCTAGAGATTACTAATTAATTTAGGTTTATAT-3'
Protein context (NP_001026.2, residues 3563-3583): QKSKRVGRRH[Tyr3573Asp]CLVEHPQRSK

ClinVar aggregate classification (germline): Uncertain significance (1 of 4 stars; one submission).

Conditions:
Catecholaminergic polymorphic ventricular tachycardia (CVPT). Also called: Catecholamine-induced polymorphic ventricular tachycardia. Identifiers: Orphanet 3286, MedGen C5574922, MONDO:0017990.

Submission:

All of Us Research Program, National Institutes of Health
Classification: Uncertain significance for Catecholaminergic polymorphic ventricular tachycardia. Last evaluated: 2023-08-23. Review status: criteria provided, single submitter. Criteria: ACMG Guidelines, 2015. Collection method: clinical testing. Allele origin: germline. Inheritance: Autosomal dominant inheritance. Observed: 1 variant allele, 1 heterozygote.
Comment: This missense variant replaces tyrosine with aspartic acid at codon 3573 of the RYR2 protein. Computational prediction is inconclusive regarding the impact of this variant on protein structure and function (internally defined REVEL score threshold 0.5 < inconclusive < 0.7, PMID: 27666373). To our knowledge, functional studies have not been reported for this variant. This variant has not been reported in individuals affected with RYR2-related disorders in the literature. This variant has not been identified in the general population by the Genome Aggregation Database (gnomAD). The available evidence is insufficient to determine the role of this variant in disease conclusively. Therefore, this variant is classified as a Variant of Uncertain Significance.

This study involves interpretation of variants in research participants for the purpose of population health screening. Participant phenotype was not available at the time of variant classification. Additional details can be found in publication PMID: 35346344, PMCID: PMC8962531